The following is an entry in ClinVar:

NM_015047.3(EMC1):c.550G>A (p.Gly184Arg)

Gene: EMC1 (ER membrane protein complex subunit 1; minus strand). Cytogenetic location: 1p36.13.
Variant type: single nucleotide variant.
Coding change: c.550G>A on transcript NM_015047.3 (MANE Select); coding-DNA position 550, G replaced by A.
Protein change: p.Gly184Arg; replaces glycine 184 with arginine.
Molecular consequence: missense variant.
Genome position (GRCh38, 1-based): chr1:19,241,102, C>T on the plus strand (G>A on the coding strand, the complement: EMC1 is on the minus strand). VCF-style: chr1-19241102-C-T. GRCh37 (hg19) VCF-style: chr1-19567596-C-T.
Other names: c.550G>A, p.Gly184Arg (NM_001271427.2, NM_001271428.2, NM_001375820.1 and 1 more transcripts); c.484G>A, p.Gly162Arg (NM_001271429.2); short protein forms G162R, G184R.
Identifiers: ClinVar variation 3774104 (VCV003774104.2).

ClinVar aggregate classification (germline): Uncertain significance (1 of 4 stars; one submission).

Submission:

GeneDx
Classification: Uncertain significance. Last evaluated: 2025-07-03. Review status: criteria provided, single submitter. Criteria: GeneDx Variant Classification Process June 2021. Collection method: clinical testing. Allele origin: germline.
Comment: Not observed at significant frequency in large population cohorts (gnomAD); In silico analysis indicates that this missense variant does not alter protein structure/function; In silico analysis suggests this variant may impact gene splicing. In the absence of RNA/functional studies, the actual effect of this sequence change is unknown.; Has not been previously published as pathogenic or benign to our knowledge